The following is an entry in ClinVar:

NM_000520.6(HEXA):c.1109A>G (p.Tyr370Cys)

Gene: HEXA (hexosaminidase subunit alpha; minus strand). Cytogenetic location: 15q23.
Variant type: single nucleotide variant.
Coding change: c.1109A>G on transcript NM_000520.6 (MANE Select); coding-DNA position 1109, A replaced by G.
Protein change: p.Tyr370Cys; replaces tyrosine 370 with cysteine.
Molecular consequence: missense variant.
Genome position (GRCh38, 1-based): chr15:72,347,723, T>C on the plus strand (A>G on the coding strand, the complement: HEXA is on the minus strand). VCF-style: chr15-72347723-T-C. GRCh37 (hg19) VCF-style: chr15-72640064-T-C.
Other names: c.1142A>G, p.Tyr381Cys (NM_001318825.2); short protein forms Y381C, Y370C.
Identifiers: ClinVar variation 2168924 (VCV002168924.1), dbSNP rs1209189473, ClinGen allele CA393061733.

ClinVar aggregate classification (germline): Uncertain significance (1 of 4 stars; one submission).

Conditions:
Tay-Sachs disease (TSD). Also called: GM2 gangliosidosis, type 1; Hexosaminidase alpha-subunit deficiency (variant B); Sphingolipidosis, Tay-Sachs; Hexosaminidase A Deficiency; HEXA DEFICIENCY; HEXA Disorders. Identifiers: Orphanet 845, MedGen C0039373, MONDO:0010100, OMIM 272800.

Allele frequency attached by ClinVar (database versions not stated): gnomAD exomes 0.00001.
gnomAD v4.1: 13 of 1,614,182 alleles (0.00081%); highest among the groups gnomAD compares: Admixed American, 0.0017%; no homozygotes.

Submission:

Labcorp Genetics (formerly Invitae), Labcorp
Classification: Uncertain significance for Tay-Sachs disease. Last evaluated: 2018-04-12. Review status: criteria provided, single submitter. Criteria: Invitae Variant Classification Sherloc (09022015). Collection method: clinical testing. Allele origin: germline.
Comment: This sequence change replaces tyrosine with cysteine at codon 370 of the HEXA protein (p.Tyr370Cys). The tyrosine residue is moderately conserved and there is a large physicochemical difference between tyrosine and cysteine. This variant is not present in population databases (ExAC no frequency). This variant has not been reported in the literature in individuals with HEXA-related disease. Algorithms developed to predict the effect of missense changes on protein structure and function do not agree on the potential impact of this missense change (SIFT: "Tolerated"; PolyPhen-2: "Probably Damaging"; Align-GVGD: "Class C0"). In summary, the available evidence is currently insufficient to determine the role of this variant in disease. Therefore, it has been classified as a Variant of Uncertain Significance.